The following is an entry in ClinVar:

NM_000497.4(CYP11B1):c.239+13C>A

Gene: CYP11B1 (cytochrome P450 family 11 subfamily B member 1; minus strand). Cytogenetic location: 8q24.3.
Variant type: single nucleotide variant.
Coding change: c.239+13C>A on transcript NM_000497.4 (MANE Select); 13 bases into the intron after coding-DNA position 239, C replaced by A.
Molecular consequence: intron variant.
Genome position (GRCh38, 1-based): chr8:142,879,562, G>T on the plus strand (C>A on the coding strand, the complement: CYP11B1 is on the minus strand). VCF-style: chr8-142879562-G-T. GRCh37 (hg19) VCF-style: chr8-143960978-G-T.
Other names: c.239+13C>A (NM_001026213.1).
Identifiers: ClinVar variation 362168 (VCV000362168.21), dbSNP rs6402, ClinGen allele CA4905672.

ClinVar aggregate classification (germline): Benign. Review status: criteria provided, multiple submitters, no conflicts (2 of 4 stars). 7 submissions from 6 submitters: Benign (7). Last evaluated 2026-02-02.

Conditions:
Glucocorticoid-remediable aldosteronism. Also called: Hyperaldosteronism, familial, type I; ACTH-DEPENDENT HYPERALDOSTERONISM SYNDROME; ALDOSTERONISM, SENSITIVE TO DEXAMETHASONE; FH I; GLUCOCORTICOID-SUPPRESSIBLE HYPERALDOSTERONISM. Identifiers: Orphanet 403, MedGen C3838731, MONDO:0007080, OMIM 103900.
Deficiency of steroid 11-beta-monooxygenase (CYP11B1). Also called: ADRENAL HYPERPLASIA, CONGENITAL, DUE TO STEROID 11-BETA-HYDROXYLASE DEFICIENCY; 11-BETA-HYDROXYLASE DEFICIENCY; ADRENAL HYPERPLASIA IV; P450C11B1 DEFICIENCY; STEROID 11-BETA-HYDROXYLASE DEFICIENCY; Congenital adrenal hyperplasia due to 11-beta-hydroxylase deficiency. Identifiers: Orphanet 90795, MedGen C0268292, MONDO:0008729, OMIM 202010. Disease mechanism: loss of function.

Allele frequency attached by ClinVar (database versions not stated): ESP Exome Variant Server 0.00138; TOPMed 0.00539; gnomAD 0.00753 and 0.00870; ExAC 0.01197; gnomAD exomes 0.01279; 1000 Genomes Project 30x 0.02280; 1000 Genomes Project 0.02496.
gnomAD v4.1: 10,814 of 1,614,226 alleles (0.67%); highest among the groups gnomAD compares: East Asian, 8.7%; 230 homozygotes.

Submissions (7):

Labcorp Genetics (formerly Invitae), Labcorp
Classification: Benign. Last evaluated: 2026-02-02. Review status: criteria provided, single submitter. Criteria: Invitae Variant Classification Sherloc (09022015). Collection method: clinical testing. Allele origin: germline.

Women's Health and Genetics/Laboratory Corporation of America, LabCorp
Classification: Benign. Last evaluated: 2025-01-08. Review status: criteria provided, single submitter. Criteria: LabCorp Variant Classification Summary - May 2015. Collection method: clinical testing. Allele origin: germline.
Comment: Variant summary: CYP11B1 c.239+13C>A alters a nucleotide located at a position not widely known to affect splicing. The variant allele was found at a frequency of 0.013 in 250372 control chromosomes in the gnomAD database, including 82 homozygotes. The observed variant frequency is approximately 6-fold of the estimated maximal expected allele frequency for a pathogenic variant in CYP11B1 causing Congenital Adrenal Hyperplasia phenotype (0.002). To our knowledge, no occurrence of c.239+13C>A in individuals affected with Congenital Adrenal Hyperplasia and no experimental evidence demonstrating its impact on protein function have been reported. ClinVar contains an entry for this variant (Variation ID: 362168). Based on the evidence outlined above, the variant was classified as benign.

Athena Diagnostics
Classification: Benign. Last evaluated: 2024-06-13. Review status: criteria provided, single submitter. Criteria: Athena Diagnostics Criteria. Collection method: clinical testing. Allele origin: unknown.

GeneDx
Classification: Benign. Last evaluated: 2021-05-20. Review status: criteria provided, single submitter. Criteria: GeneDx Variant Classification Process June 2021. Collection method: clinical testing. Allele origin: germline. Affected: yes.

Illumina Laboratory Services, Illumina
Classification: Benign for Deficiency of steroid 11-beta-monooxygenase. Last evaluated: 2018-01-13. Review status: criteria provided, single submitter. Criteria: ICSL Variant Classification Criteria 13 December 2019. Collection method: clinical testing. Allele origin: germline.
Comment: This variant was observed in the ICSL laboratory as part of a predisposition screen in an ostensibly healthy population. It had not been previously curated by ICSL or reported in the Human Gene Mutation Database (HGMD: prior to June 1st, 2018), and was therefore a candidate for classification through an automated scoring system. Utilizing variant allele frequency, disease prevalence and penetrance estimates, and inheritance mode, an automated score was calculated to assess if this variant is too frequent to cause the disease. Based on the score and internal cut-off values, a variant classified as benign is not then subjected to further curation. The score for this variant resulted in a classification of benign for this disease.

Illumina Laboratory Services, Illumina
Classification: Benign for Glucocorticoid-remediable aldosteronism. Last evaluated: 2018-01-13. Review status: criteria provided, single submitter. Criteria: ICSL Variant Classification Criteria 13 December 2019. Collection method: clinical testing. Allele origin: germline.
Comment: the same text as in the submission from Illumina Laboratory Services, Illumina above.

Breakthrough Genomics
Classification: Benign. Review status: criteria provided, single submitter. Criteria: ACMG Guidelines, 2015. Collection method: not provided. Allele origin: germline. Inheritance: Autosomal recessive inheritance. Affected: yes.